The following is an entry in ClinVar:

NM_003394.4(WNT10B):c.288G>A (p.Ala96=)

Gene: WNT10B (Wnt family member 10B; minus strand). Cytogenetic location: 12q13.12.
Variant type: single nucleotide variant.
Coding change: c.288G>A on transcript NM_003394.4 (MANE Select); coding-DNA position 288, G replaced by A.
Protein change: p.Ala96=; no amino-acid change (alanine 96 retained).
Molecular consequence: synonymous variant.
Genome position (GRCh38, 1-based): chr12:48,970,138, C>T on the plus strand (G>A on the coding strand, the complement: WNT10B is on the minus strand). VCF-style: chr12-48970138-C-T. GRCh37 (hg19) VCF-style: chr12-49363921-C-T.
Other names: c.288G>A (NM_003394.3).
Identifiers: ClinVar variation 1675491 (VCV001675491.40), dbSNP rs541451348, ClinGen allele CA6544210.

ClinVar aggregate classification (germline): Benign/Likely benign. Review status: criteria provided, multiple submitters, no conflicts (2 of 4 stars). 4 submissions from 4 submitters: Benign (1); Likely benign (3). Last evaluated 2026-08-06.

Conditions:
WNT10B-related disorder. Also called: WNT10B-related condition.

Allele frequency attached by ClinVar (database versions not stated): 1000 Genomes Project 30x 0.00047; 1000 Genomes Project 0.00060; gnomAD exomes 0.00121; ExAC 0.00137.

Submissions (4):

PreventionGenetics, part of Exact Sciences
Classification: Likely benign for WNT10B-related condition. Last evaluated: 2026-08-06. Review status: criteria provided, single submitter. Criteria: ACMG Guidelines, 2015. Collection method: clinical testing. Allele origin: germline.
Comment: This variant is classified as likely benign based on ACMG/AMP sequence variant interpretation guidelines (Richards et al. 2015 PMID: 25741868, with internal and published modifications).

Labcorp Genetics (formerly Invitae), Labcorp
Classification: Benign. Last evaluated: 2025-11-16. Review status: criteria provided, single submitter. Criteria: Invitae Variant Classification Sherloc (09022015). Collection method: clinical testing. Allele origin: germline.

Blueprint Genetics
Classification: Likely benign. Last evaluated: 2024-10-30. Review status: criteria provided, single submitter. Criteria: ACMG Guidelines, 2015. Collection method: clinical testing. Allele origin: germline.

CeGaT Center for Human Genetics Tuebingen
Classification: Likely benign. Last evaluated: 2023-05-01. Review status: criteria provided, single submitter. Criteria: CeGaT Center For Human Genetics Tuebingen Variant Classification Criteria Version 2. Collection method: clinical testing. Allele origin: germline. Affected: yes. Observed: 2 variant alleles.
Comment: WNT10B: BP4, BP7